The following is an entry in ClinVar:

ClinVar aggregate classification (germline): Uncertain significance (1 of 4 stars; one submission).

Conditions:
Severe combined immunodeficiency, autosomal recessive, T cell-negative, B cell-negative, NK cell-positive. Also called: SCID, T CELL-NEGATIVE, B CELL-NEGATIVE, NK CELL-POSITIVE; SCID, AR, T-cell negative, B-cell negative, NK cell-positive; Severe combined immunodeficiency due to complete RAG1/2 deficiency. Identifiers: Orphanet 331206, MedGen C1832322, MONDO:0011086, OMIM 601457.
Combined immunodeficiency with skin granulomas. Identifiers: Orphanet 157949, MedGen C2673536, MONDO:0009306, OMIM 233650.

Submission:

Labcorp Genetics (formerly Invitae), Labcorp
Classification: Uncertain significance for Combined immunodeficiency with skin granulomas; Severe combined immunodeficiency, autosomal recessive, T cell-negative, B cell-negative, NK cell-positive. Last evaluated: 2023-08-30. Review status: criteria provided, single submitter. Criteria: Invitae Variant Classification Sherloc (09022015). Collection method: clinical testing. Allele origin: germline.
Comment: In summary, the available evidence is currently insufficient to determine the role of this variant in disease. Therefore, it has been classified as a Variant of Uncertain Significance. Advanced modeling of protein sequence and biophysical properties (such as structural, functional, and spatial information, amino acid conservation, physicochemical variation, residue mobility, and thermodynamic stability) performed at Invitae indicates that this missense variant is expected to disrupt RAG1 protein function. ClinVar contains an entry for this variant (Variation ID: 1447504). This variant has not been reported in the literature in individuals affected with RAG1-related conditions. This variant is not present in population databases (gnomAD no frequency). This sequence change replaces phenylalanine, which is neutral and non-polar, with tyrosine, which is neutral and polar, at codon 33 of the RAG1 protein (p.Phe33Tyr).

NM_000448.3(RAG1):c.98T>A (p.Phe33Tyr)

Gene: RAG1 (recombination activating 1; plus strand). Cytogenetic location: 11p12.
Variant type: single nucleotide variant.
Coding change: c.98T>A on transcript NM_000448.3 (MANE Select); coding-DNA position 98, T replaced by A.
Protein change: p.Phe33Tyr; replaces phenylalanine 33 with tyrosine.
Molecular consequence: missense variant.
Genome position (GRCh38, 1-based): chr11:36,573,402, T>A. VCF-style: chr11-36573402-T-A. GRCh37 (hg19) VCF-style: chr11-36594952-T-A.
Other names: c.98T>A, p.Phe33Tyr (NM_001377277.1, NM_001377278.1, NM_001377279.1 and 1 more transcripts); short protein forms F33Y.
Identifiers: ClinVar variation 1447504 (VCV001447504.8), dbSNP rs2133292699, ClinGen allele CA380145490.